The following is an entry in ClinVar:

NM_000372.5(TYR):c.1111A>T (p.Asn371Tyr)

Gene: TYR (tyrosinase; plus strand). Cytogenetic location: 11q14.3.
Variant type: single nucleotide variant.
Coding change: c.1111A>T on transcript NM_000372.5 (MANE Select); coding-DNA position 1111, A replaced by T.
Protein change: p.Asn371Tyr; replaces asparagine 371 with tyrosine.
Molecular consequence: missense variant.
Genome position (GRCh38, 1-based): chr11:89,227,897, A>T. VCF-style: chr11-89227897-A-T. GRCh37 (hg19) VCF-style: chr11-88961065-A-T.
Other names: short protein forms N371Y.
Identifiers: ClinVar variation 99534 (VCV000099534.15), dbSNP rs61754386, ClinGen allele CA227498.

ClinVar aggregate classification (germline): Pathogenic/Likely pathogenic. Review status: criteria provided, multiple submitters, no conflicts (2 of 4 stars). 6 submissions from 6 submitters: Pathogenic (3); Likely pathogenic (2). 1 of the submissions does not count toward it. Last evaluated 2024-11-14.

Conditions:
SKIN/HAIR/EYE PIGMENTATION 3, LIGHT/DARK SKIN (SHEP3). Also called: EYE COLOR 1; EYE COLOR, GREEN/BLUE; SKIN/HAIR/EYE PIGMENTATION, VARIATION IN, 3; SKIN/HAIR/EYE PIGMENTATION 3, BLUE/GREEN EYE COLOR; SKIN/HAIR/EYE PIGMENTATION 3, FRECKLING. Identifiers: MedGen C2677190, OMIM 601800.
Oculocutaneous albinism type 1A (OCA1A). Also called: Albinism, oculocutaneous, type IA. Identifiers: Orphanet 352731, Orphanet 79431, MedGen C4551504, MONDO:0008745, OMIM 203100. Disease mechanism: loss of function.
Oculocutaneous albinism type 1B (OCA1B). Also called: ALBINISM, OCULOCUTANEOUS, TYPE IB; YELLOW ALBINISM; ALBINISM, YELLOW MUTANT TYPE. Identifiers: Orphanet 352731, Orphanet 352737, Orphanet 79434, MedGen C1847024, MONDO:0011749, OMIM 606952.
TYR-related disorder. Also called: TYR-related condition.

Allele frequency attached by ClinVar (database versions not stated): gnomAD 0.00001; ExAC 0.00002; gnomAD exomes 0.00002; ESP Exome Variant Server 0.00008.
gnomAD v4.1: 59 of 1,613,570 alleles (0.0037%); highest among the groups gnomAD compares: Non-Finnish European, 0.0048%; no homozygotes.

Submissions (6):

Labcorp Genetics (formerly Invitae), Labcorp
Classification: Pathogenic. Last evaluated: 2024-11-14. Review status: criteria provided, single submitter. Criteria: Invitae Variant Classification Sherloc (09022015). Collection method: clinical testing. Allele origin: germline.
Comment: This sequence change replaces asparagine, which is neutral and polar, with tyrosine, which is neutral and polar, at codon 371 of the TYR protein (p.Asn371Tyr). This variant is present in population databases (rs61754386, gnomAD 0.004%). This missense change has been observed in individual(s) with oculocutaneous albinism (PMID: 10987646, 28976636). In at least one individual the data is consistent with being in trans (on the opposite chromosome) from a pathogenic variant. ClinVar contains an entry for this variant (Variation ID: 99534). Invitae Evidence Modeling of protein sequence and biophysical properties (such as structural, functional, and spatial information, amino acid conservation, physicochemical variation, residue mobility, and thermodynamic stability) indicates that this missense variant is expected to disrupt TYR protein function with a positive predictive value of 95%. Experimental studies have shown that this missense change affects TYR function (PMID: 27537549). This variant disrupts the p.Asn371 amino acid residue in TYR. Other variant(s) that disrupt this residue have been determined to be pathogenic (PMID: 1676041, 8434585). This suggests that this residue is clinically significant, and that variants that disrupt this residue are likely to be disease-causing. For these reasons, this variant has been classified as Pathogenic.

Fulgent Genetics
Classification: Likely pathogenic for Oculocutaneous albinism type 1A; SKIN/HAIR/EYE PIGMENTATION 3, LIGHT/DARK SKIN; Oculocutaneous albinism type 1B. Last evaluated: 2023-12-29. Review status: criteria provided, single submitter. Criteria: ACMG Guidelines, 2015. Collection method: clinical testing. Allele origin: germline.

Genome-Nilou Lab
Classification: Likely pathogenic for Oculocutaneous albinism type 1A. Last evaluated: 2021-07-22. Review status: criteria provided, single submitter. Criteria: ACMG Guidelines, 2015. Collection method: clinical testing. Allele origin: germline. Affected: no.

Blueprint Genetics
Classification: Pathogenic for TYR-related disorders. Last evaluated: 2020-11-20. Review status: criteria provided, single submitter. Criteria: ACMG Guidelines, 2015. Collection method: clinical testing. Allele origin: germline. Affected: yes. Observed: 2 variant alleles.

GeneDx
Classification: Pathogenic. Last evaluated: 2019-07-09. Review status: criteria provided, single submitter. Criteria: GeneDx Variant Classification Process June 2021. Collection method: clinical testing. Allele origin: germline. Affected: yes.
Comment: Published functional studies demonstrate a damaging effect with loss of enzyme activity (Mondal et al., 2016); This variant is associated with the following publications: (PMID: 10987646, 23085273, 28976636, 28451379, 27537549, 31589614)

Retina International
No classification provided. Review status: no classification provided. Collection method: not provided. Allele origin: not provided. Not counted in ClinVar's aggregate classification.

Literature cited by the submitters: PubMed 10987646 (cited by Labcorp Genetics (formerly Invitae), Labcorp); PubMed 28976636 (cited by Labcorp Genetics (formerly Invitae), Labcorp); PubMed 27537549 (cited by Labcorp Genetics (formerly Invitae), Labcorp); PubMed 1676041 (cited by Labcorp Genetics (formerly Invitae), Labcorp); PubMed 8434585 (cited by Labcorp Genetics (formerly Invitae), Labcorp).